The following is an entry in ClinVar:

ClinVar aggregate classification (germline): Uncertain significance (1 of 4 stars; one submission).

Allele frequency attached by ClinVar (database versions not stated): gnomAD exomes below 0.00001.
gnomAD v4.1: 1 of 1,612,356 alleles (0.000062%); highest among the groups gnomAD compares: Non-Finnish European, 0.000085%; no homozygotes.

Submission:

Labcorp Genetics (formerly Invitae), Labcorp
Classification: Uncertain significance. Last evaluated: 2023-07-07. Review status: criteria provided, single submitter. Criteria: Invitae Variant Classification Sherloc (09022015). Collection method: clinical testing. Allele origin: germline.
Comment: This sequence change replaces glutamine, which is neutral and polar, with glutamic acid, which is acidic and polar, at codon 1039 of the COL18A1 protein (p.Gln1039Glu). This variant is not present in population databases (gnomAD no frequency). This variant has not been reported in the literature in individuals affected with COL18A1-related conditions. ClinVar contains an entry for this variant (Variation ID: 2114925). Experimental studies and prediction algorithms are not available or were not evaluated, and the functional significance of this variant is currently unknown. In summary, the available evidence is currently insufficient to determine the role of this variant in disease. Therefore, it has been classified as a Variant of Uncertain Significance.

NM_001379500.1(COL18A1):c.3124C>G (p.Gln1042Glu)

Genes: COL18A1 (collagen type XVIII alpha 1 chain; plus strand), SLC19A1 (solute carrier family 19 member 1; minus strand). Cytogenetic location: 21q22.3.
Variant type: single nucleotide variant.
Coding change: c.3124C>G on transcript NM_001379500.1 (MANE Select); coding-DNA position 3124, C replaced by G.
Protein change: p.Gln1042Glu; replaces glutamine 1042 with glutamic acid.
Molecular consequence: missense variant.
Genome position (GRCh38, 1-based): chr21:45,505,874, C>G. VCF-style: chr21-45505874-C-G. GRCh37 (hg19) VCF-style: chr21-46925788-C-G.
Other names: c.3655C>G, p.Gln1219Glu (NM_030582.4); c.4360C>G, p.Gln1454Glu (NM_130444.3); short protein forms Q1042E, Q1454E, Q1219E.
Identifiers: ClinVar variation 2114925 (VCV002114925.4), dbSNP rs961423812, ClinGen allele CA410499894.